The following is an entry in ClinVar:

NM_002485.5(NBN):c.600TGA[1] (p.Asp201del)

Gene: NBN (nibrin; minus strand). Cytogenetic location: 8q21.3.
Variant type: Microsatellite.
Coding change: c.600TGA[1] on transcript NM_002485.5 (MANE Select); one copy of the 3-base unit TGA starting at c.600; the reference has two copies in a row; one copy, 3 bases deleted; also written c.603_605del.
Protein change: p.Asp201del; deletes aspartic acid 201.
Molecular consequence: inframe deletion.
Genome position (GRCh38, 1-based): chr8:89,971,270-89,971,272, TCA deleted on the plus strand (TGA on the coding strand, the reverse complement: NBN is on the minus strand); deleting any 3 consecutive bases within chr8:89,971,270-89,971,275 gives the same sequence; the position shown is the placement nearest the transcript's 3' end. VCF-style (leftmost placement, unchanged base first): chr8-89971269-TTCA-T. GRCh37 (hg19) VCF-style: chr8-90983497-TTCA-T.
Other names: c.603_605del (NM_002485.4, NM_002485.5); c.354TGA[1], p.Asp119del (NM_001024688.3); short protein forms D201del, D119del.
Identifiers: ClinVar variation 627767 (VCV000627767.9), dbSNP rs755050499, ClinGen allele CA4802921.

ClinVar aggregate classification (germline): Uncertain significance. Review status: criteria provided, multiple submitters, no conflicts (2 of 4 stars). 3 submissions from 3 submitters: Uncertain significance (3). Last evaluated 2024-01-15.

Conditions:
Acute lymphoid leukemia (ALL). Also called: Lymphoblastic leukemia; Acute lymphoblastic leukemia; Acute lymphocytic leukemia; Leukemia, acute lymphoblastic, somatic. Identifiers: Orphanet 513, MedGen C0023449, MONDO:0004967, OMIM 613065, HP:0006721.
Aplastic anemia. Identifiers: Orphanet 182040, Orphanet 88, MedGen C0002874, MONDO:0015909, OMIM 609135, HP:0001915.
Microcephaly, normal intelligence and immunodeficiency (NBS). Also called: BERLIN BREAKAGE SYNDROME; Ataxia telangiectasia variant V1; IMMUNODEFICIENCY, MICROCEPHALY, AND CHROMOSOMAL INSTABILITY; SEEMANOVA SYNDROME II; Immunodeficiency, microcephaly with normal intelligence; Nijmegen breakage syndrome. Identifiers: Orphanet 647, MedGen C0398791, MONDO:0009623, OMIM 251260.
Hereditary cancer-predisposing syndrome. Also called: Tumor predisposition; Neoplastic Syndromes, Hereditary; Hereditary Cancer Syndrome; Hereditary neoplastic syndrome. Identifiers: Orphanet 140162, MedGen C0027672, MeSH D009386, MONDO:0015356.

Submissions (3):

Fulgent Genetics
Classification: Uncertain significance for Microcephaly, normal intelligence and immunodeficiency; Aplastic anemia; Acute lymphoid leukemia. Last evaluated: 2024-01-15. Review status: criteria provided, single submitter. Criteria: ACMG Guidelines, 2015. Collection method: clinical testing. Allele origin: germline.

Ambry Genetics
Classification: Uncertain significance for Hereditary cancer-predisposing syndrome. Last evaluated: 2023-10-25. Review status: criteria provided, single submitter. Criteria: Ambry Variant Classification Scheme 2023. Collection method: clinical testing. Allele origin: germline.
Comment: The c.603_605delTGA variant (also known as p.D201del) is located in coding exon 6 of the NBN gene. This variant results from an in-frame TGA deletion at nucleotide positions 603 to 605. This results in the in-frame deletion of an aspartic acid at codon 201. This nucleotide position is highly conserved in available vertebrate species. This amino acid position is well conserved in available vertebrate species. In addition, this alteration is predicted to be deleterious by in silico analysis (Choi Y et al. PLoS ONE. 2012; 7(10):e46688). Since supporting evidence is limited at this time, the clinical significance of this alteration remains unclear.

Labcorp Genetics (formerly Invitae), Labcorp
Classification: Uncertain significance for Microcephaly, normal intelligence and immunodeficiency. Last evaluated: 2022-08-23. Review status: criteria provided, single submitter. Criteria: Invitae Variant Classification Sherloc (09022015). Collection method: clinical testing. Allele origin: germline.
Comment: This variant, c.603_605del, results in the deletion of 1 amino acid(s) of the NBN protein (p.Asp201del), but otherwise preserves the integrity of the reading frame. This variant is present in population databases (rs755050499, gnomAD 0.0009%). This variant has not been reported in the literature in individuals affected with NBN-related conditions. ClinVar contains an entry for this variant (Variation ID: 627767). Experimental studies and prediction algorithms are not available or were not evaluated, and the functional significance of this variant is currently unknown. In summary, the available evidence is currently insufficient to determine the role of this variant in disease. Therefore, it has been classified as a Variant of Uncertain Significance.